The following is an entry in ClinVar:

NM_005235.3(ERBB4):c.2545G>A (p.Val849Ile)

Gene: ERBB4 (erb-b2 receptor tyrosine kinase 4; minus strand). Cytogenetic location: 2q34.
Variant type: single nucleotide variant.
Coding change: c.2545G>A on transcript NM_005235.3 (MANE Select); coding-DNA position 2545, G replaced by A.
Protein change: p.Val849Ile; replaces valine 849 with isoleucine.
Molecular consequence: missense variant.
Genome position (GRCh38, 1-based): chr2:211,431,043, C>T on the plus strand (G>A on the coding strand, the complement: ERBB4 is on the minus strand). VCF-style: chr2-211431043-C-T. GRCh37 (hg19) VCF-style: chr2-212295768-C-T.
Other names: c.2545G>A, p.Val849Ile (NM_001042599.2); short protein forms V849I.
Identifiers: ClinVar variation 2101234 (VCV002101234.4), dbSNP rs760762277, ClinGen allele CA2087700.

ClinVar aggregate classification (germline): Uncertain significance (1 of 4 stars; one submission).

gnomAD v4.1: 3 of 1,613,934 alleles (0.00019%); highest among the groups gnomAD compares: Non-Finnish European, 0.00025%; no homozygotes.

Submission:

Labcorp Genetics (formerly Invitae), Labcorp
Classification: Uncertain significance. Last evaluated: 2022-12-31. Review status: criteria provided, single submitter. Criteria: Invitae Variant Classification Sherloc (09022015). Collection method: clinical testing. Allele origin: germline.
Comment: In summary, the available evidence is currently insufficient to determine the role of this variant in disease. Therefore, it has been classified as a Variant of Uncertain Significance. Advanced modeling of protein sequence and biophysical properties (such as structural, functional, and spatial information, amino acid conservation, physicochemical variation, residue mobility, and thermodynamic stability) performed at Invitae indicates that this missense variant is not expected to disrupt ERBB4 protein function. This variant has not been reported in the literature in individuals affected with ERBB4-related conditions. This variant is not present in population databases (gnomAD no frequency). This sequence change replaces valine, which is neutral and non-polar, with isoleucine, which is neutral and non-polar, at codon 849 of the ERBB4 protein (p.Val849Ile).